The following is an entry in ClinVar:

ClinVar aggregate classification (germline): Conflicting classifications of pathogenicity. Review status: criteria provided, conflicting classifications (1 of 4 stars). 2 submissions from 2 submitters: Uncertain significance (1); Likely benign (1). Last evaluated 2025-10-17.

Conditions:
Oto-palato-digital syndrome, type II (OPD2). Also called: FACIOPALATOOSSEOUS SYNDROME; OPD II SYNDROME; Otopalatodigital Syndrome, Type II; Otopalatodigital Syndrome Type 2 (FLNA-OPD2). Identifiers: Orphanet 669, Orphanet 90652, MedGen C1844696, MONDO:0010571, OMIM 304120.
Heterotopia, periventricular, X-linked dominant (PVNH1). Also called: PERIVENTRICULAR NODULAR HETEROTOPIA 4; HETEROTOPIA, PERIVENTRICULAR, 1; PERIVENTRICULAR NODULAR HETEROTOPIA 1; X-linked periventricular heterotopia. Identifiers: Orphanet 2149, Orphanet 82004, MedGen C1848213, MONDO:0010233, OMIM 300049.
Melnick-Needles syndrome (MNS). Also called: MELNICK-NEEDLES OSTEODYSPLASTY; OSTEODYSPLASTY OF MELNICK AND NEEDLES; Melnick-Needles Syndrome (FLNA-MNS). Identifiers: Orphanet 2484, MedGen C0025237, MONDO:0010650, OMIM 309350.
Frontometaphyseal dysplasia (FMD1). Identifiers: Orphanet 1826, MedGen C0265293, MONDO:0015942.
Familial thoracic aortic aneurysm and aortic dissection (TAAD). Also called: Thoracic aortic aneurysms and dissections. Identifiers: Orphanet 91387, MedGen C4707243, MONDO:0019625.

Allele frequency attached by ClinVar (database versions not stated): gnomAD exomes 0.00003; ExAC 0.00004; gnomAD 0.00004; TOPMed 0.00004.
gnomAD v4.1: 17 of 1,208,885 alleles (0.0014%); highest among the groups gnomAD compares: East Asian, 0.0059%; no homozygotes.

Submissions (2):

Labcorp Genetics (formerly Invitae), Labcorp
Classification: Uncertain significance for Oto-palato-digital syndrome, type II; Heterotopia, periventricular, X-linked dominant; Frontometaphyseal dysplasia; Melnick-Needles syndrome. Last evaluated: 2025-10-17. Review status: criteria provided, single submitter. Criteria: Invitae Variant Classification Sherloc (09022015). Collection method: clinical testing. Allele origin: germline.
Comment: This sequence change affects codon 207 of the FLNA mRNA. It is a 'silent' change, meaning that it does not change the encoded amino acid sequence of the FLNA protein. It affects a nucleotide within the consensus splice site. This variant is present in population databases (rs200632859, gnomAD 0.01%). This variant has not been reported in the literature in individuals affected with FLNA-related conditions. ClinVar contains an entry for this variant (Variation ID: 1503337). Algorithms developed to predict the effect of sequence changes on RNA splicing suggest that this variant is not likely to affect RNA splicing. In summary, the available evidence is currently insufficient to determine the role of this variant in disease. Therefore, it has been classified as a Variant of Uncertain Significance.

Ambry Genetics
Classification: Likely benign for Familial thoracic aortic aneurysm and aortic dissection. Last evaluated: 2025-03-31. Review status: criteria provided, single submitter. Criteria: Ambry Variant Classification Scheme 2023. Collection method: clinical testing. Allele origin: germline.

NM_001110556.2(FLNA):c.621G>A (p.Pro207=)

Gene: FLNA (filamin A; minus strand). Cytogenetic location: Xq28.
Variant type: single nucleotide variant.
Coding change: c.621G>A on transcript NM_001110556.2 (MANE Select); coding-DNA position 621, G replaced by A.
Protein change: p.Pro207=; no amino-acid change (proline 207 retained).
Molecular consequence: synonymous variant.
Genome position (GRCh38, 1-based): chrX:154,367,843, C>T on the plus strand (G>A on the coding strand, the complement: FLNA is on the minus strand). VCF-style: chrX-154367843-C-T. GRCh37 (hg19) VCF-style: chrX-153596211-C-T.
Other names: c.621G>A, p.Pro207= (NM_001456.4); c.621G>A (NM_001456.3).
Identifiers: ClinVar variation 1503337 (VCV001503337.7), dbSNP rs200632859, ClinGen allele CA10561401.